The following is an entry in ClinVar:

ClinVar aggregate classification (germline): Likely benign. Review status: criteria provided, multiple submitters, no conflicts (2 of 4 stars). 2 submissions from 2 submitters: Likely benign (2). Last evaluated 2026-01-20.

Allele frequency attached by ClinVar (database versions not stated): gnomAD exomes below 0.00001; gnomAD 0.00001; TOPMed 0.00004.
gnomAD v4.1: 4 of 1,613,742 alleles (0.00025%); highest among the groups gnomAD compares: Admixed American, 0.0033%; no homozygotes.

Submissions (2):

Labcorp Genetics (formerly Invitae), Labcorp
Classification: Likely benign. Last evaluated: 2026-01-20. Review status: criteria provided, single submitter. Criteria: Invitae Variant Classification Sherloc (09022015). Collection method: clinical testing. Allele origin: germline.

GeneDx
Classification: Likely benign. Last evaluated: 2015-12-20. Review status: criteria provided, single submitter. Criteria: GeneDx Variant Classification (06012015). Collection method: clinical testing. Allele origin: germline. Affected: yes.
Comment: This variant is considered likely benign or benign based on one or more of the following criteria: it is a conservative change, it occurs at a poorly conserved position in the protein, it is predicted to be benign by multiple in silico algorithms, and/or has population frequency not consistent with disease.

NM_006231.4(POLE):c.6136+20T>A

Gene: POLE (DNA polymerase epsilon, catalytic subunit; minus strand). Cytogenetic location: 12q24.33.
Variant type: single nucleotide variant.
Coding change: c.6136+20T>A on transcript NM_006231.4 (MANE Select); 20 bases into the intron after coding-DNA position 6136, T replaced by A.
Molecular consequence: intron variant.
Genome position (GRCh38, 1-based): chr12:132,632,644, A>T on the plus strand (T>A on the coding strand, the complement: POLE is on the minus strand). VCF-style: chr12-132632644-A-T. GRCh37 (hg19) VCF-style: chr12-133209230-A-T.
Identifiers: ClinVar variation 382333 (VCV000382333.8), dbSNP rs932585832, ClinGen allele CA16606115.